The following is an entry in ClinVar:

NM_001297.5(CNGB1):c.2285G>A (p.Arg762His)

Gene: CNGB1 (cyclic nucleotide gated channel subunit beta 1; minus strand). Cytogenetic location: 16q21.
Variant type: single nucleotide variant.
Coding change: c.2285G>A on transcript NM_001297.5 (MANE Select); coding-DNA position 2285, G replaced by A.
Protein change: p.Arg762His; replaces arginine 762 with histidine.
Molecular consequence: missense variant.
Genome position (GRCh38, 1-based): chr16:57,915,268, C>T on the plus strand (G>A on the coding strand, the complement: CNGB1 is on the minus strand). VCF-style: chr16-57915268-C-T. GRCh37 (hg19) VCF-style: chr16-57949172-C-T.
Other names: c.2267G>A, p.Arg756His (NM_001286130.2); short protein forms R762H, R756H.
Identifiers: ClinVar variation 437972 (VCV000437972.12), dbSNP rs760373259, ClinGen allele CA8083082.

ClinVar aggregate classification (germline): Pathogenic/Likely pathogenic. Review status: criteria provided, multiple submitters, no conflicts (2 of 4 stars). 6 submissions from 6 submitters: Pathogenic (3); Likely pathogenic (1). 2 of the submissions do not count toward it. Last evaluated 2026-01-20.

Conditions:
CNGB1-related disorder. Also called: CNGB1-related condition.
Retinitis pigmentosa (RP). Identifiers: Orphanet 791, MedGen C0035334, MeSH D012174, MONDO:0019200, OMIM 268000. Inheritance: Autosomal dominant, autosomal recessive and X linked inheritance.
Retinitis pigmentosa 45 (RP45). Identifiers: Orphanet 791, MedGen C3151066, MONDO:0013413, OMIM 613767.

Allele frequency attached by ClinVar (database versions not stated): gnomAD 0.00001; TOPMed 0.00001; ExAC 0.00002; gnomAD exomes 0.00002.
gnomAD v4.1: 10 of 1,613,574 alleles (0.00062%); highest among the groups gnomAD compares: East Asian, 0.0022%; no homozygotes.

Submissions (6):

Labcorp Genetics (formerly Invitae), Labcorp
Classification: Pathogenic. Last evaluated: 2026-01-20. Review status: criteria provided, single submitter. Criteria: Invitae Variant Classification Sherloc (09022015). Collection method: clinical testing. Allele origin: germline.
Comment: This sequence change replaces arginine, which is basic and polar, with histidine, which is basic and polar, at codon 762 of the CNGB1 protein (p.Arg762His). This variant is present in population databases (rs760373259, gnomAD 0.006%). This missense change has been observed in individuals with retinitis pigmentosa (PMID: 28041643, 30718709, 31570810). ClinVar contains an entry for this variant (Variation ID: 437972). Invitae Evidence Modeling of protein sequence and biophysical properties (such as structural, functional, and spatial information, amino acid conservation, physicochemical variation, residue mobility, and thermodynamic stability) indicates that this missense variant is expected to disrupt CNGB1 protein function with a positive predictive value of 80%. This variant disrupts the p.Arg762 amino acid residue in CNGB1. Other variant(s) that disrupt this residue have been determined to be pathogenic (PMID: 21987686, 24339724, 29202463). This suggests that this residue is clinically significant, and that variants that disrupt this residue are likely to be disease-causing. For these reasons, this variant has been classified as Pathogenic.

Genomic Medicine Center of Excellence, King Faisal Specialist Hospital and Research Centre
Classification: Pathogenic for Retinitis pigmentosa 45. Last evaluated: 2024-03-29. Review status: criteria provided, single submitter. Criteria: ACMG Guidelines, 2015. Collection method: clinical testing. Allele origin: germline.

Women's Health and Genetics/Laboratory Corporation of America, LabCorp
Classification: Likely pathogenic for Retinitis pigmentosa. Last evaluated: 2023-06-29. Review status: criteria provided, single submitter. Criteria: LabCorp Variant Classification Summary - May 2015. Collection method: clinical testing. Allele origin: germline.
Comment: Variant summary: CNGB1 c.2285G>A (p.Arg762His) results in a non-conservative amino acid change in the encoded protein sequence, altering a highly conserved residue (HGMD) in which another missense variant (p.Arg762Cys) has been classified as pathogenic (ClinVar). Five of five in-silico tools predict a damaging effect of the variant on protein function. The variant allele was found at a frequency of 1.6e-05 in 249018 control chromosomes (gnomAD). c.2285G>A has been reported in the literature in homozygous individuals affected with Retinitis Pigmentosa (e.g. Carss_2017, Jespersgaard_2019). These data indicate that the variant is likely to be associated with disease. To our knowledge, no experimental evidence demonstrating an impact on protein function has been reported. The following publications have been ascertained in the context of this evaluation (PMID: 32581362, 28041643, 31570810, 35743231, 30718709). Three submitters have cited clinical-significance assessments for this variant to ClinVar after 2014, and classified it as pathogenic/likely pathogenic (n=2) or uncertain significance (n=1). Based on the evidence outlined above, the variant was classified as likely pathogenic.

Blueprint Genetics
Classification: Pathogenic for CNGB1-related disorders. Last evaluated: 2019-09-29. Review status: criteria provided, single submitter. Criteria: ACMG Guidelines, 2015. Collection method: clinical testing. Allele origin: germline. Affected: yes. Observed: 2 variant alleles.

Department of Clinical Genetics, Copenhagen University Hospital, Rigshospitalet
Classification: Uncertain significance for Retinitis pigmentosa. Last evaluated: 2018-04-01. Review status: no assertion criteria provided. Collection method: research. Allele origin: unknown. Affected: yes. Study: VeluxRD. Not counted in ClinVar's aggregate classification.

NIHR Bioresource Rare Diseases, University of Cambridge
Classification: Likely pathogenic for Retinitis pigmentosa. Last evaluated: 2015-01-01. Review status: no assertion criteria provided. Collection method: research. Allele origin: unknown. Affected: yes. Observed: 1 variant allele. Not counted in ClinVar's aggregate classification.

Literature cited by the submitters: PubMed 28041643 (cited by 3 submitters); PubMed 30718709 (cited by 3 submitters); PubMed 31570810 (cited by Labcorp Genetics (formerly Invitae), Labcorp and Women's Health and Genetics/Laboratory Corporation of America, LabCorp); PubMed 21987686 (cited by Labcorp Genetics (formerly Invitae), Labcorp); PubMed 24339724 (cited by Labcorp Genetics (formerly Invitae), Labcorp); PubMed 29202463 (cited by Labcorp Genetics (formerly Invitae), Labcorp); PubMed 32581362 (cited by Women's Health and Genetics/Laboratory Corporation of America, LabCorp); PubMed 35743231 (cited by Women's Health and Genetics/Laboratory Corporation of America, LabCorp).